The following is an entry in ClinVar:

NM_003907.3(EIF2B5):c.416_417dup (p.Ala140fs)

Gene: EIF2B5 (eukaryotic translation initiation factor 2B subunit epsilon; plus strand). Cytogenetic location: 3q27.1.
Variant type: Duplication.
Coding change: c.416_417dup on transcript NM_003907.3 (MANE Select); coding-DNA positions 416 to 417, 2 bases duplicated (AT; older notation c.416_417dupAT).
Protein change: p.Ala140fs; shifts the reading frame from alanine 140.
Molecular consequence: frameshift variant.
Genome position (GRCh38, 1-based): chr3:184,137,715-184,137,716, AT duplicated. VCF-style (leftmost placement, unchanged base first): chr3-184137714-G-GAT. GRCh37 (hg19) VCF-style: chr3-183855502-G-GAT.
Other names: short protein forms A140fs.
Identifiers: ClinVar variation 1071095 (VCV001071095.8), dbSNP rs1312772215, ClinGen allele CA903705599.
Genomic context (GRCh38, chr3:184,137,714, plus strand): 5'-GTGGTTCGAATAATTACATCAGAGCTCTATCGATCACTGGGAGATGTCCTCCGTGATGTT[G>GAT]ATGCCAAGGCTTTGGTGCGCTCTGACTTTCTTCTGGTGTATGGGGATGTCATCTCAAACA-3'

ClinVar aggregate classification (germline): Pathogenic/Likely pathogenic. Review status: criteria provided, multiple submitters, no conflicts (2 of 4 stars). 2 submissions from 2 submitters: Pathogenic (1); Likely pathogenic (1). Last evaluated 2024-03-17.

Conditions:
Leukoencephalopathy with vanishing white matter 5 (VWM5). Also called: EIF2B5-Related Childhood Ataxia with Central Nervous System Hypomyelination/Vanishing White Matter; Leukoencephalopathy with vanishing white matter 5, with or without ovarian failure. Identifiers: MedGen C5779973, MONDO:0957873, OMIM 620315.

Allele frequency attached by ClinVar (database versions not stated): TOPMed 0.00001.

Submissions (2):

Fulgent Genetics
Classification: Likely pathogenic for Leukoencephalopathy with vanishing white matter 5. Last evaluated: 2024-03-17. Review status: criteria provided, single submitter. Criteria: ACMG Guidelines, 2015. Collection method: clinical testing. Allele origin: germline.

Labcorp Genetics (formerly Invitae), Labcorp
Classification: Pathogenic. Last evaluated: 2021-08-27. Review status: criteria provided, single submitter. Criteria: Invitae Variant Classification Sherloc (09022015). Collection method: clinical testing. Allele origin: germline.
Comment: For these reasons, this variant has been classified as Pathogenic. ClinVar contains an entry for this variant (Variation ID: 1071095). This variant has not been reported in the literature in individuals affected with EIF2B5-related conditions. This variant is not present in population databases (ExAC no frequency). This sequence change creates a premature translational stop signal (p.Ala140Metfs*32) in the EIF2B5 gene. It is expected to result in an absent or disrupted protein product. Loss-of-function variants in EIF2B5 are known to be pathogenic (PMID: 11704758, 15060152, 21307862).

Literature cited by the submitters: PubMed 11704758 (cited by Labcorp Genetics (formerly Invitae), Labcorp); PubMed 15060152 (cited by Labcorp Genetics (formerly Invitae), Labcorp); PubMed 21307862 (cited by Labcorp Genetics (formerly Invitae), Labcorp).